The following is an entry in ClinVar:

ClinVar aggregate classification (germline): Conflicting classifications of pathogenicity. Review status: criteria provided, conflicting classifications (1 of 4 stars). 6 submissions from 6 submitters: Uncertain significance (5); Likely benign (1). Last evaluated 2026-01-10.

Conditions:
Polymerase proofreading-related adenomatous polyposis. Also called: Polymerase proofreading associated polyposis; Polymerase proofreading–associated polyposis (PPAP). Identifiers: Orphanet 447877, MedGen C5202613, MONDO:0018653.
Facial dysmorphism-immunodeficiency-livedo-short stature syndrome. Also called: Facial dysmorphism, immunodeficiency, livedo, and short stature; FILS syndrome. Identifiers: Orphanet 352712, MedGen C3554576, MONDO:0014058, OMIM 615139.
Colorectal cancer, susceptibility to, 12 (CRCS12). Also called: COLORECTAL CANCER, SUSCEPTIBILITY TO, ON CHROMOSOME 12q24. Identifiers: Orphanet 220460, MedGen C3554460, MONDO:0014038, OMIM 615083.
Intrauterine growth retardation, metaphyseal dysplasia, adrenal hypoplasia congenita, genital anomalies, and immunodeficiency. Also called: IMAGEI SYNDROME. Identifiers: MedGen C5193036, MONDO:0032684, OMIM 618336.
POLE-related disorder. Also called: POLE-related disorders; POLE-related condition.
Hereditary cancer-predisposing syndrome. Also called: Neoplastic Syndromes, Hereditary; Hereditary Cancer Syndrome; Hereditary neoplastic syndrome; Tumor predisposition. Identifiers: Orphanet 140162, MedGen C0027672, MeSH D009386, MONDO:0015356.

Allele frequency attached by ClinVar (database versions not stated): gnomAD exomes 0.00001; gnomAD 0.00002; TOPMed 0.00005.
gnomAD v4.1: 10 of 1,503,572 alleles (0.00067%); highest among the groups gnomAD compares: African/African-American, 0.011%; no homozygotes.

Submissions (6):

Labcorp Genetics (formerly Invitae), Labcorp
Classification: Uncertain significance. Last evaluated: 2026-01-10. Review status: criteria provided, single submitter. Criteria: Invitae Variant Classification Sherloc (09022015). Collection method: clinical testing. Allele origin: germline.
Comment: This sequence change replaces aspartic acid, which is acidic and polar, with asparagine, which is neutral and polar, at codon 12 of the POLE protein (p.Asp12Asn). The frequency data for this variant in the population databases is considered unreliable, as metrics indicate poor data quality at this position in the gnomAD database. This variant has not been reported in the literature in individuals affected with POLE-related conditions. ClinVar contains an entry for this variant (Variation ID: 540767). An algorithm developed to predict the effect of missense changes on protein structure and function (PolyPhen-2) suggests that this variant is likely to be tolerated. In summary, the available evidence is currently insufficient to determine the role of this variant in disease. Therefore, it has been classified as a Variant of Uncertain Significance.

Ambry Genetics
Classification: Likely benign for Hereditary cancer-predisposing syndrome. Last evaluated: 2025-05-31. Review status: criteria provided, single submitter. Criteria: Ambry Variant Classification Scheme 2023. Collection method: clinical testing. Allele origin: germline.

PreventionGenetics, part of Exact Sciences
Classification: Uncertain significance for POLE-related condition. Last evaluated: 2023-07-19. Review status: criteria provided, single submitter. Criteria: ACMG Guidelines, 2015. Collection method: clinical testing. Allele origin: germline.
Comment: The POLE c.34G>A variant is predicted to result in the amino acid substitution p.Asp12Asn. To our knowledge, this variant has not been reported in the literature. This variant is reported in 0.012% of alleles in individuals of African descent in gnomAD. In ClinVar, this variant is currently listed as 'uncertain significance' by several outside laboratories. At this time, the clinical significance of this variant is uncertain due to the absence of conclusive functional and genetic evidence.

Fulgent Genetics
Classification: Uncertain significance for Colorectal cancer, susceptibility to, 12; Facial dysmorphism-immunodeficiency-livedo-short stature syndrome; Intrauterine growth retardation, metaphyseal dysplasia, adrenal hypoplasia congenita, genital anomalies, and immunodeficiency. Last evaluated: 2022-03-12. Review status: criteria provided, single submitter. Criteria: ACMG Guidelines, 2015. Collection method: clinical testing. Allele origin: unknown.

Department of Pathology and Laboratory Medicine, Sinai Health System
Classification: Uncertain significance for Polymerase proofreading-related adenomatous polyposis. Last evaluated: 2022-01-31. Review status: criteria provided, single submitter. Criteria: ACMG Guidelines, 2015. Collection method: clinical testing. Allele origin: germline. Affected: yes.

GeneDx
Classification: Uncertain significance. Last evaluated: 2019-08-28. Review status: criteria provided, single submitter. Criteria: GeneDx Variant Classification Process June 2021. Collection method: clinical testing. Allele origin: germline. Affected: yes.
Comment: Not observed at a significant frequency in large population cohorts (Lek 2016); In silico analysis, which includes protein predictors and evolutionary conservation, supports that this variant does not alter protein structure/function; Has not been previously published as pathogenic or benign to our knowledge

NM_006231.4(POLE):c.34G>A (p.Asp12Asn)

Genes: POLE (DNA polymerase epsilon, catalytic subunit; minus strand), LOC130009266 (ATAC-STARR-seq lymphoblastoid silent region 5123; plus strand). Cytogenetic location: 12q24.33.
Variant type: single nucleotide variant.
Coding change: c.34G>A on transcript NM_006231.4 (MANE Select); coding-DNA position 34, G replaced by A.
Protein change: p.Asp12Asn; replaces aspartic acid 12 with asparagine.
Molecular consequence: missense variant.
Genome position (GRCh38, 1-based): chr12:132,687,282, C>T on the plus strand (G>A on the coding strand, the complement: POLE is on the minus strand). VCF-style: chr12-132687282-C-T. GRCh37 (hg19) VCF-style: chr12-133263868-C-T.
Other names: short protein forms D12N.
Identifiers: ClinVar variation 540767 (VCV000540767.18), dbSNP rs1355767159, ClinGen allele CA387373426.